The following is an entry in ClinVar:

ClinVar aggregate classification (germline): Pathogenic (1 of 4 stars; one submission).

Conditions:
Cutis laxa, autosomal recessive, type 1B (ARCL1B). Also called: EFEMP2-Related Cutis Laxa; CUTIS LAXA, AUTOSOMAL RECESSIVE, TYPE IB. Identifiers: Orphanet 90349, MedGen C3280798, MONDO:0013754, OMIM 614437. Disease mechanism: loss of function.

Submission:

Labcorp Genetics (formerly Invitae), Labcorp
Classification: Pathogenic for Cutis laxa, autosomal recessive, type 1B. Last evaluated: 2025-01-15. Review status: criteria provided, single submitter. Criteria: Invitae Variant Classification Sherloc (09022015). Collection method: clinical testing. Allele origin: germline.
Comment: This sequence change affects a donor splice site in intron 10 of the EFEMP2 gene. While this variant is not anticipated to result in nonsense mediated decay, it likely alters RNA splicing and results in a disrupted protein product. This variant is not present in population databases (gnomAD no frequency). This variant has not been reported in the literature in individuals affected with EFEMP2-related conditions. ClinVar contains an entry for this variant (Variation ID: 943459). Variants that disrupt the consensus splice site are a relatively common cause of aberrant splicing (PMID: 17576681, 9536098). Algorithms developed to predict the effect of sequence changes on RNA splicing suggest that this variant may disrupt the consensus splice site. This variant disrupts a region of the EFEMP2 protein in which other variant(s) (p.Ala397Thr) have been determined to be pathogenic (PMID: 20389311, 31384147). This suggests that this is a clinically significant region of the protein, and that variants that disrupt it are likely to be disease-causing. For these reasons, this variant has been classified as Pathogenic.

Literature cited by the submitters: PubMed 17576681; PubMed 9536098; PubMed 20389311; PubMed 31384147.

NM_016938.5(EFEMP2):c.1170+1G>A

Gene: EFEMP2 (EGF-like fibulin extracellular matrix protein 2; minus strand). Cytogenetic location: 11q13.1.
Variant type: single nucleotide variant.
Coding change: c.1170+1G>A on transcript NM_016938.5 (MANE Select); the canonical splice donor site of the intron after coding-DNA position 1170, G replaced by A.
Molecular consequence: splice donor variant.
Genome position (GRCh38, 1-based): chr11:65,867,860, C>T on the plus strand (G>A on the coding strand, the complement: EFEMP2 is on the minus strand). VCF-style: chr11-65867860-C-T. GRCh37 (hg19) VCF-style: chr11-65635331-C-T.
Identifiers: ClinVar variation 943459 (VCV000943459.8), dbSNP rs1859884792, ClinGen allele CA381350439.